The following is an entry in ClinVar:

ClinVar aggregate classification (germline): Uncertain significance. Review status: criteria provided, multiple submitters, no conflicts (2 of 4 stars). 3 submissions from 3 submitters: Uncertain significance (3). Last evaluated 2025-04-04.

Conditions:
DST-related disorder. Also called: DST-related condition; DST-related disorders.
Epidermolysis bullosa simplex 3, localized or generalized intermediate, with BP230 deficiency (EBS3). Also called: Epidermolysis bullosa simplex, autosomal recessive 2; Epidermolysis bullosa simplex due to BP230 deficiency. Identifiers: Orphanet 412181, MedGen C3809470, MONDO:0014180, OMIM 615425.
Hereditary sensory and autonomic neuropathy type 6. Also called: HSAN VI; Neuropathy, hereditary sensory and autonomic, type VI. Identifiers: Orphanet 314381, MedGen C3539003, MONDO:0013839, OMIM 614653.

Allele frequency attached by ClinVar (database versions not stated): TOPMed 0.00003; gnomAD 0.00005; gnomAD exomes 0.00005 and 0.00003; ESP Exome Variant Server 0.00017; ExAC 0.00003.
gnomAD v4.1: 81 of 1,579,896 alleles (0.0051%); highest among the groups gnomAD compares: Non-Finnish European, 0.0058%; no homozygotes.

Submissions (3):

PreventionGenetics, part of Exact Sciences
Classification: Uncertain significance for DST-related condition. Last evaluated: 2025-04-04. Review status: criteria provided, single submitter. Criteria: ACMG Guidelines, 2015. Collection method: clinical testing. Allele origin: germline.
Comment: The DST c.14547G>T variant is predicted to result in the amino acid substitution p.Lys4849Asn. To our knowledge, this variant has not been reported in the literature. This variant is reported in 0.0065% of alleles in individuals of European (Non-Finnish) descent in gnomAD. At this time, the clinical significance of this variant is uncertain due to the absence of conclusive functional and genetic evidence.

Labcorp Genetics (formerly Invitae), Labcorp
Classification: Uncertain significance for Epidermolysis bullosa simplex 3, localized or generalized intermediate, with BP230 deficiency; Hereditary sensory and autonomic neuropathy type 6. Last evaluated: 2025-01-23. Review status: criteria provided, single submitter. Criteria: Invitae Variant Classification Sherloc (09022015). Collection method: clinical testing. Allele origin: germline.
Comment: The DST gene has multiple clinically relevant transcripts. This variant occurs in alternate transcript NM_015548.4, and corresponds to NM_001723.5:c.*128270G>T in the primary transcript. This sequence change replaces lysine, which is basic and polar, with asparagine, which is neutral and polar, at codon 4345 of the DST protein (p.Lys4345Asn). This variant is present in population databases (rs373333745, gnomAD 0.008%). This variant has not been reported in the literature in individuals affected with DST-related conditions. Experimental studies and prediction algorithms are not available or were not evaluated, and the functional significance of this variant is currently unknown. In summary, the available evidence is currently insufficient to determine the role of this variant in disease. Therefore, it has been classified as a Variant of Uncertain Significance.

Blueprint Genetics
Classification: Uncertain significance. Last evaluated: 2024-10-02. Review status: criteria provided, single submitter. Criteria: ACMG Guidelines, 2015. Collection method: clinical testing. Allele origin: germline.

NM_001374736.1(DST):c.20904G>T (p.Lys6968Asn)

Gene: DST (dystonin; minus strand). Cytogenetic location: 6p12.1.
Variant type: single nucleotide variant.
Coding change: c.20904G>T on transcript NM_001374736.1 (MANE Select); coding-DNA position 20904, G replaced by T.
Protein change: p.Lys6968Asn; replaces lysine 6968 with asparagine.
Molecular consequence: missense variant.
Genome position (GRCh38, 1-based): chr6:56,487,247, C>A on the plus strand (G>T on the coding strand, the complement: DST is on the minus strand). VCF-style: chr6-56487247-C-A. GRCh37 (hg19) VCF-style: chr6-56352045-C-A.
Other names: c.14547G>T, p.Lys4849Asn (NM_001144769.5); c.14133G>T, p.Lys4711Asn (NM_001144770.2); c.20904G>T, p.Lys6968Asn (NM_001374722.1); c.19944G>T, p.Lys6648Asn (NM_001374729.1); c.13686G>T, p.Lys4562Asn (NM_001374730.1); c.20931G>T, p.Lys6977Asn (NM_001374734.1); c.13035G>T, p.Lys4345Asn (NM_015548.5); c.14013G>T, p.Lys4671Asn (NM_183380.4); and 1 more; short protein forms K4562N, K6648N, K6977N, K4849N, K4711N, K4345N, K4671N, K6968N.
Identifiers: ClinVar variation 969141 (VCV000969141.9), dbSNP rs373333745, ClinGen allele CA3866626.